The following is an entry in ClinVar:

ClinVar aggregate classification (germline): Uncertain significance (1 of 4 stars; one submission).

Allele frequency attached by ClinVar (database versions not stated): gnomAD exomes below 0.00001.
gnomAD v4.1: 1 of 1,614,160 alleles (0.000062%); highest among the groups gnomAD compares: Non-Finnish European, 0.000085%; no homozygotes.

Submission:

Labcorp Genetics (formerly Invitae), Labcorp
Classification: Uncertain significance. Last evaluated: 2025-03-11. Review status: criteria provided, single submitter. Criteria: Invitae Variant Classification Sherloc (09022015). Collection method: clinical testing. Allele origin: germline.
Comment: This sequence change replaces glutamic acid, which is acidic and polar, with glutamine, which is neutral and polar, at codon 963 of the ALPK3 protein (p.Glu963Gln). This variant is not present in population databases (gnomAD no frequency). This variant has not been reported in the literature in individuals affected with ALPK3-related conditions. ClinVar contains an entry for this variant (Variation ID: 1957929). Invitae Evidence Modeling of protein sequence and biophysical properties (such as structural, functional, and spatial information, amino acid conservation, physicochemical variation, residue mobility, and thermodynamic stability) indicates that this missense variant is not expected to disrupt ALPK3 protein function with a negative predictive value of 80%. In summary, the available evidence is currently insufficient to determine the role of this variant in disease. Therefore, it has been classified as a Variant of Uncertain Significance.

NM_020778.5(ALPK3):c.2281G>C (p.Glu761Gln)

Gene: ALPK3 (alpha kinase 3; plus strand). Cytogenetic location: 15q25.3.
Variant type: single nucleotide variant.
Coding change: c.2281G>C on transcript NM_020778.5 (MANE Select); coding-DNA position 2281, G replaced by C.
Protein change: p.Glu761Gln; replaces glutamic acid 761 with glutamine.
Molecular consequence: missense variant.
Genome position (GRCh38, 1-based): chr15:84,857,019, G>C. VCF-style: chr15-84857019-G-C. GRCh37 (hg19) VCF-style: chr15-85400250-G-C.
Other names: short protein forms E761Q.
Identifiers: ClinVar variation 1957929 (VCV001957929.5), dbSNP rs1841527482, ClinGen allele CA393356587.
Genomic context (GRCh38, chr15:84,857,019, plus strand): 5'-CTCCCACCTACAGCGGGTCCTAGAGCTCCTCTGAATATTGAATGTTTTGTACAGACCCCA[G>C]AAGGGTCTTGTTTCCCAAAAAAACCTGGTTGCCTGCCCAGATCTGAGGAGGCAGTAGTAA-3'
Protein context (NP_065829.4, residues 751-771): LNIECFVQTP[Glu761Gln]GSCFPKKPGC